The following is an entry in ClinVar:

NM_001103.4(ACTN2):c.1834G>A (p.Asp612Asn)

Gene: ACTN2 (actinin alpha 2; plus strand). Cytogenetic location: 1q43.
Variant type: single nucleotide variant.
Coding change: c.1834G>A on transcript NM_001103.4 (MANE Select); coding-DNA position 1834, G replaced by A.
Protein change: p.Asp612Asn; replaces aspartic acid 612 with asparagine.
Molecular consequence: missense variant. On other transcripts: non-coding transcript variant (1).
Genome position (GRCh38, 1-based): chr1:236,751,647, G>A. VCF-style: chr1-236751647-G-A. GRCh37 (hg19) VCF-style: chr1-236914947-G-A.
Other names: c.1834G>A, p.Asp612Asn (NM_001278343.2); c.1210G>A, p.Asp404Asn (NM_001278344.2); c.1084G>A, p.Asp362Asn (NM_001412150.1); short protein forms D362N, D404N, D612N.
Identifiers: ClinVar variation 2953889 (VCV002953889.3), dbSNP rs2527636801, ClinGen allele CA345386498.

ClinVar aggregate classification (germline): Uncertain significance (1 of 4 stars; one submission).

Conditions:
Dilated cardiomyopathy 1AA (CMD1AA). Also called: CARDIOMYOPATHY, DILATED, 1AA, WITH OR WITHOUT LEFT VENTRICULAR NONCOMPACTION; CARDIOMYOPATHY, FAMILIAL HYPERTROPHIC, 23, WITH OR WITHOUT LEFT VENTRICULAR NONCOMPACTION; Cardiomyopathy, dilated, 1AA, with or without LVNC. Identifiers: Orphanet 154, MedGen C2677338, MONDO:0012808, OMIM 612158.
Primary familial hypertrophic cardiomyopathy (HCM). Identifiers: Orphanet 99739, MedGen C0949658, MeSH D024741, MONDO:0024573. Inheritance: Various modes of inheritance.

Submission:

Labcorp Genetics (formerly Invitae), Labcorp
Classification: Uncertain significance for Primary familial hypertrophic cardiomyopathy; Dilated cardiomyopathy 1AA. Last evaluated: 2025-03-18. Review status: criteria provided, single submitter. Criteria: Invitae Variant Classification Sherloc (09022015). Collection method: clinical testing. Allele origin: germline.
Comment: This sequence change replaces aspartic acid, which is acidic and polar, with asparagine, which is neutral and polar, at codon 612 of the ACTN2 protein (p.Asp612Asn). This variant is not present in population databases (gnomAD no frequency). This variant has not been reported in the literature in individuals affected with ACTN2-related conditions. ClinVar contains an entry for this variant (Variation ID: 2953889). Invitae Evidence Modeling of protein sequence and biophysical properties (such as structural, functional, and spatial information, amino acid conservation, physicochemical variation, residue mobility, and thermodynamic stability) indicates that this missense variant is not expected to disrupt ACTN2 protein function with a negative predictive value of 80%. In summary, the available evidence is currently insufficient to determine the role of this variant in disease. Therefore, it has been classified as a Variant of Uncertain Significance.